The following is an entry in ClinVar:

ClinVar aggregate classification (germline): Uncertain significance (1 of 4 stars; one submission).

Submission:

Dasa
Classification: Uncertain significance. Last evaluated: 2025-05-18. Review status: criteria provided, single submitter. Criteria: DASA Assertion Criteria. Collection method: clinical testing. Allele origin: germline.
Comment: NM_003931.3(WASF1):c.832C>T (p.Pro278Ser) is a missense variant that results in the substitution of proline with serine. This variant is absent from population databases. Computational prediction algorithms are consistent with a benign effect. The currently available literature and clinical evidence are not sufficient to establish a definitive association between this variant and the reported condition. Therefore, this variant is classified as a variant of uncertain significance.

NM_003931.3(WASF1):c.832C>T (p.Pro278Ser)

Gene: WASF1 (WASP family member 1; minus strand). Cytogenetic location: 6q21.
Variant type: single nucleotide variant.
Coding change: c.832C>T on transcript NM_003931.3 (MANE Select); coding-DNA position 832, C replaced by T.
Protein change: p.Pro278Ser; replaces proline 278 with serine.
Molecular consequence: missense variant.
Genome position (GRCh38, 1-based): chr6:110,103,439, G>A on the plus strand (C>T on the coding strand, the complement: WASF1 is on the minus strand). VCF-style: chr6-110103439-G-A. GRCh37 (hg19) VCF-style: chr6-110424642-G-A.
Other names: c.832C>T, p.Pro278Ser (NM_001024934.2, NM_001024935.2, NM_001024936.2); short protein forms P278S.
Identifiers: ClinVar variation 4881129 (VCV004881129.2).